The following is an entry in ClinVar:

ClinVar aggregate classification (germline): Likely benign. Review status: criteria provided, multiple submitters, no conflicts (2 of 4 stars). 2 submissions from 2 submitters: Likely benign (2). Last evaluated 2023-10-02.

Allele frequency attached by ClinVar (database versions not stated): gnomAD 0.00001; TOPMed 0.00001; gnomAD exomes 0.00002; ExAC 0.00003; ESP Exome Variant Server 0.00008.
gnomAD v4.1: 26 of 1,599,950 alleles (0.0016%); highest among the groups gnomAD compares: South Asian, 0.0022%; no homozygotes.

Submissions (2):

Blueprint Genetics
Classification: Likely benign. Last evaluated: 2023-10-02. Review status: criteria provided, single submitter. Criteria: ACMG Guidelines, 2015. Collection method: clinical testing. Allele origin: germline.

CeGaT Center for Human Genetics Tuebingen
Classification: Likely benign. Last evaluated: 2023-10-01. Review status: criteria provided, single submitter. Criteria: CeGaT Center For Human Genetics Tuebingen Variant Classification Criteria Version 2. Collection method: clinical testing. Allele origin: germline. Affected: yes. Observed: 1 variant allele.
Comment: BRSK2: BP4, BP7

NM_001256627.2(BRSK2):c.1737G>A (p.Gly579=)

Gene: BRSK2 (BR serine/threonine kinase 2; plus strand). Cytogenetic location: 11p15.5.
Variant type: single nucleotide variant.
Coding change: c.1737G>A on transcript NM_001256627.2 (MANE Select); coding-DNA position 1737, G replaced by A.
Protein change: p.Gly579=; no amino-acid change (glycine 579 retained).
Molecular consequence: synonymous variant. On other transcripts: non-coding transcript variant (1).
Genome position (GRCh38, 1-based): chr11:1,456,416, G>A. VCF-style: chr11-1456416-G-A. GRCh37 (hg19) VCF-style: chr11-1477646-G-A.
Other names: c.1737G>A, p.Gly579= (NM_001256629.2, NM_003957.4); c.1875G>A, p.Gly625= (NM_001256630.1); c.1557G>A, p.Gly519= (NM_001282218.2).
Identifiers: ClinVar variation 2641344 (VCV002641344.25), dbSNP rs373493303, ClinGen allele CA5811203.